The following is an entry in ClinVar:

NM_001384140.1(PCDH15):c.859C>A (p.Pro287Thr)

Gene: PCDH15 (protocadherin related 15; minus strand). Cytogenetic location: 10q21.1.
Variant type: single nucleotide variant.
Coding change: c.859C>A on transcript NM_001384140.1 (MANE Select); coding-DNA position 859, C replaced by A.
Protein change: p.Pro287Thr; replaces proline 287 with threonine.
Molecular consequence: missense variant.
Genome position (GRCh38, 1-based): chr10:54,317,288, G>T on the plus strand (C>A on the coding strand, the complement: PCDH15 is on the minus strand). VCF-style: chr10-54317288-G-T. GRCh37 (hg19) VCF-style: chr10-56077048-G-T.
Other names: c.874C>A, p.Pro292Thr (NM_001142763.2, NM_001142769.4, NM_001142771.2); c.859C>A, p.Pro287Thr (NM_001142764.2, NM_001142765.2, NM_001142766.2 and 7 more transcripts); c.748C>A, p.Pro250Thr (NM_001142767.2); c.793C>A, p.Pro265Thr (NM_001142768.2, NM_001142773.2, NM_001354404.2); short protein forms P265T, P292T, P287T, P250T.
Identifiers: ClinVar variation 1375913 (VCV001375913.3), dbSNP rs2133647918, ClinGen allele CA376540793.

ClinVar aggregate classification (germline): Uncertain significance (1 of 4 stars; one submission).

Submission:

Labcorp Genetics (formerly Invitae), Labcorp
Classification: Uncertain significance. Last evaluated: 2022-10-25. Review status: criteria provided, single submitter. Criteria: Invitae Variant Classification Sherloc (09022015). Collection method: clinical testing. Allele origin: germline.
Comment: This sequence change replaces proline, which is neutral and non-polar, with threonine, which is neutral and polar, at codon 287 of the PCDH15 protein (p.Pro287Thr). This variant is not present in population databases (gnomAD no frequency). This variant has not been reported in the literature in individuals affected with PCDH15-related conditions. ClinVar contains an entry for this variant (Variation ID: 1375913). Advanced modeling of protein sequence and biophysical properties (such as structural, functional, and spatial information, amino acid conservation, physicochemical variation, residue mobility, and thermodynamic stability) performed at Invitae indicates that this missense variant is not expected to disrupt PCDH15 protein function. In summary, the available evidence is currently insufficient to determine the role of this variant in disease. Therefore, it has been classified as a Variant of Uncertain Significance.